The following is an entry in ClinVar:

NM_004836.7(EIF2AK3):c.1697A>T (p.Asp566Val)

Gene: EIF2AK3 (eukaryotic translation initiation factor 2 alpha kinase 3; minus strand). Cytogenetic location: 2p11.2.
Variant type: single nucleotide variant.
Coding change: c.1697A>T on transcript NM_004836.7 (MANE Select); coding-DNA position 1697, A replaced by T.
Protein change: p.Asp566Val; replaces aspartic acid 566 with valine.
Molecular consequence: missense variant.
Genome position (GRCh38, 1-based): chr2:88,583,496, T>A on the plus strand (A>T on the coding strand, the complement: EIF2AK3 is on the minus strand). VCF-style: chr2-88583496-T-A. GRCh37 (hg19) VCF-style: chr2-88883014-T-A.
Other names: c.1244A>T, p.Asp415Val (NM_001313915.2); short protein forms D566V, D415V.
Identifiers: ClinVar variation 337412 (VCV000337412.58), dbSNP rs55791823, ClinGen allele CA1754624.

ClinVar aggregate classification (germline): Conflicting classifications of pathogenicity. Review status: criteria provided, conflicting classifications (1 of 4 stars). 13 submissions from 13 submitters: Uncertain significance (7); Benign (1); Likely benign (4). 1 of the submissions does not count toward it. Last evaluated 2026-02-01.

Conditions:
EIF2AK3-related disorder. Also called: EIF2AK3-related condition.
Wolcott-Rallison dysplasia. Also called: MED-IDDM SYNDROME; Wolcott-Rallison syndrome. Identifiers: Orphanet 1667, MedGen C0432217, MONDO:0009192, OMIM 226980.
Connective tissue disorder. Also called: Connective tissue disease. Identifiers: MedGen C0009782, MONDO:0003900.
Monogenic diabetes. Identifiers: Orphanet 183625, MedGen C3888631, MONDO:0015967.

Allele frequency attached by ClinVar (database versions not stated): 1000 Genomes Project 30x 0.00031; 1000 Genomes Project 0.00040; gnomAD 0.00259 and 0.00277; TOPMed 0.00263; ESP Exome Variant Server 0.00454.
gnomAD v4.1: 6,700 of 1,613,262 alleles (0.42%); highest among the groups gnomAD compares: Non-Finnish European, 0.53%; 20 homozygotes.

Submissions (13):

Labcorp Genetics (formerly Invitae), Labcorp
Classification: Likely benign. Last evaluated: 2026-02-01. Review status: criteria provided, single submitter. Criteria: Invitae Variant Classification Sherloc (09022015). Collection method: clinical testing. Allele origin: germline.

CeGaT Center for Human Genetics Tuebingen
Classification: Likely benign. Last evaluated: 2025-07-01. Review status: criteria provided, single submitter. Criteria: CeGaT Center For Human Genetics Tuebingen Variant Classification Criteria Version 2. Collection method: clinical testing. Allele origin: germline. Affected: yes. Observed: 5 variant alleles.
Comment: EIF2AK3: BP4, BS2

Blueprint Genetics
Classification: Likely benign. Last evaluated: 2024-11-26. Review status: criteria provided, single submitter. Criteria: ACMG Guidelines, 2015. Collection method: clinical testing. Allele origin: germline.

ARUP Laboratories, Molecular Genetics and Genomics, ARUP Laboratories
Classification: Uncertain significance for Wolcott-Rallison dysplasia. Last evaluated: 2023-09-08. Review status: criteria provided, single submitter. Criteria: ARUP Molecular Germline Variant Investigation Process 2024. Collection method: clinical testing. Allele origin: germline.
Comment: The EIF2AK3 c.1697A>T; p.Asp566Val variant (rs55791823), to our knowledge, is not reported in the medical literature in individuals with Wolcott-Rallison syndrome. This variant is reported in ClinVar (Variation ID: 337412) and is found in the general population with an overall allele frequency of 0.26% (730/282,242 alleles, including 1 homozygote) in the Genome Aggregation Database. Computational analyses are uncertain whether this variant is neutral or deleterious (REVEL: 0.384). Due to limited information, the clinical significance of this variant is uncertain at this time.

Department of Pathology and Laboratory Medicine, Sinai Health System
Classification: Uncertain significance for Wolcott-Rallison dysplasia. Last evaluated: 2023-07-25. Review status: criteria provided, single submitter. Criteria: ACMG Guidelines, 2015. Collection method: research. Allele origin: germline.

Genome Diagnostics Laboratory, The Hospital for Sick Children
Classification: Uncertain significance for Connective tissue disorder. Last evaluated: 2020-03-01. Review status: criteria provided, single submitter. Criteria: ACMG Guidelines, 2015. Collection method: clinical testing. Allele origin: germline.

Genetic Services Laboratory, University of Chicago
Classification: Uncertain significance. Last evaluated: 2019-11-21. Review status: criteria provided, single submitter. Criteria: ACMG Guidelines, 2015. Collection method: clinical testing. Allele origin: germline. Affected: no.

Personalized Diabetes Medicine Program, University of Maryland School of Medicine
Classification: Benign for Monogenic diabetes. Last evaluated: 2019-01-18. Review status: criteria provided, single submitter. Criteria: ACMG Guidelines, 2015. Collection method: research. Allele origin: unknown. Observed: 2 variant alleles, 2 heterozygotes.
Comment: ACMG criteria: BA1 (0.5% in EurNF in gnomAD), BS2 (1 homozygotes in gnomAD)= benign (REVEL 0.384 + PP3/4 predictors) + BP4/5 predictors= conflicting evidence, not using)

Fulgent Genetics
Classification: Uncertain significance for Wolcott-Rallison dysplasia. Last evaluated: 2018-10-31. Review status: criteria provided, single submitter. Criteria: ACMG Guidelines, 2015. Collection method: clinical testing. Allele origin: unknown.

Illumina Laboratory Services, Illumina
Classification: Likely benign for Wolcott-Rallison dysplasia. Last evaluated: 2018-01-13. Review status: criteria provided, single submitter. Criteria: ICSL Variant Classification Criteria 13 December 2019. Collection method: clinical testing. Allele origin: germline.
Comment: This variant was observed in the ICSL laboratory as part of a predisposition screen in an ostensibly healthy population. It had not been previously curated by ICSL or reported in the Human Gene Mutation Database (HGMD: prior to June 1st, 2018), and was therefore a candidate for classification through an automated scoring system. Utilizing variant allele frequency, disease prevalence and penetrance estimates, and inheritance mode, an automated score was calculated to assess if this variant is too frequent to cause the disease. Based on the score and internal cut-off values, a variant classified as likely benign is not then subjected to further curation. The score for this variant resulted in a classification of likely benign for this disease.

Eurofins Ntd Llc (ga)
Classification: Uncertain significance. Last evaluated: 2017-06-02. Review status: criteria provided, single submitter. Criteria: EGL Classification Definitions 2015. Collection method: clinical testing. Allele origin: germline. Observed: 1 variant allele, 1 heterozygote.

Center for Pediatric Genomic Medicine, Children's Mercy Hospital and Clinics
Classification: Uncertain significance. Last evaluated: 2016-08-31. Review status: criteria provided, single submitter. Criteria: ACMG Guidelines, 2015. Collection method: clinical testing. Allele origin: germline.
ClinVar note: Converted during submission from Uncertain Significance to Uncertain significance.

PreventionGenetics, part of Exact Sciences
Classification: Likely benign for EIF2AK3-related condition. Last evaluated: 2023-01-06. Review status: no assertion criteria provided. Collection method: clinical testing. Allele origin: germline. Not counted in ClinVar's aggregate classification.
Comment: This variant is classified as likely benign based on ACMG/AMP sequence variant interpretation guidelines (Richards et al. 2015 PMID: 25741868, with internal and published modifications).